The following is an entry in ClinVar:

NM_006031.6(PCNT):c.1721G>A (p.Arg574Lys)

Gene: PCNT (pericentrin; plus strand). Cytogenetic location: 21q22.3.
Variant type: single nucleotide variant.
Coding change: c.1721G>A on transcript NM_006031.6 (MANE Select); coding-DNA position 1721, G replaced by A.
Protein change: p.Arg574Lys; replaces arginine 574 with lysine.
Molecular consequence: missense variant.
Genome position (GRCh38, 1-based): chr21:46,354,028, G>A. VCF-style: chr21-46354028-G-A. GRCh37 (hg19) VCF-style: chr21-47773942-G-A.
Other names: c.1367G>A, p.Arg456Lys (NM_001315529.2); short protein forms R456K, R574K.
Identifiers: ClinVar variation 3356866 (VCV003356866.1).
Genomic context (GRCh38, chr21:46,354,028, plus strand): 5'-TAAAATGTTTTCCCTTCAGGTTGTCCTGTGTGGGTTTAGAAGAGAAACCTGAGAAAGGAA[G>A]AAAAGATCACGTTGATGAACTCGAGCCTGAGCGACATAAGGTAATTGGCCGCGCGCTGAG-3'
Protein context (NP_006022.3, residues 564-584): VGLEEKPEKG[Arg574Lys]KDHVDELEPE

ClinVar aggregate classification (germline): Uncertain significance (0 of 4 stars; one submission).

Conditions:
PCNT-related disorder. Also called: PCNT-related condition.

gnomAD v4.1: 1 of 1,614,162 alleles (0.000062%); highest among the groups gnomAD compares: Admixed American, 0.0017%; no homozygotes.

Submission:

PreventionGenetics, part of Exact Sciences
Classification: Uncertain significance for PCNT-related condition. Last evaluated: 2024-08-06. Review status: no assertion criteria provided. Collection method: clinical testing. Allele origin: germline.
Comment: The PCNT c.1721G>A variant is predicted to result in the amino acid substitution p.Arg574Lys. To our knowledge, this variant has not been reported in the literature. This variant is reported in 0.0029% of alleles in individuals of Latino descent in gnomAD. At this time, the clinical significance of this variant is uncertain due to the absence of conclusive functional and genetic evidence.